The following is an entry in ClinVar:

ClinVar aggregate classification (germline): Uncertain significance. Review status: criteria provided, multiple submitters, no conflicts (2 of 4 stars). 2 submissions from 2 submitters: Uncertain significance (2). Last evaluated 2025-02-12.

Conditions:
Catecholaminergic polymorphic ventricular tachycardia 1. Also called: VENTRICULAR TACHYCARDIA, CATECHOLAMINERGIC POLYMORPHIC, 1, WITH OR WITHOUT ATRIAL DYSFUNCTION AND/OR DILATED CARDIOMYOPATHY; RYR2-Related Catecholaminergic Polymorphic Ventricular Tachycardia; VENTRICULAR TACHYCARDIA, STRESS-INDUCED POLYMORPHIC 1. Identifiers: Orphanet 3286, MedGen C1631597, MONDO:0011484, OMIM 604772.

gnomAD v4.1: 11 of 1,613,528 alleles (0.00068%); highest among the groups gnomAD compares: Non-Finnish European, 0.00093%; no homozygotes.

Submissions (2):

Labcorp Genetics (formerly Invitae), Labcorp
Classification: Uncertain significance for Catecholaminergic polymorphic ventricular tachycardia 1. Last evaluated: 2025-02-12. Review status: criteria provided, single submitter. Criteria: Invitae Variant Classification Sherloc (09022015). Collection method: clinical testing. Allele origin: germline.
Comment: This sequence change replaces leucine, which is neutral and non-polar, with isoleucine, which is neutral and non-polar, at codon 4078 of the RYR2 protein (p.Leu4078Ile). This variant is present in population databases (rs747750895, gnomAD 0.004%). This variant has not been reported in the literature in individuals affected with RYR2-related conditions. Invitae Evidence Modeling of protein sequence and biophysical properties (such as structural, functional, and spatial information, amino acid conservation, physicochemical variation, residue mobility, and thermodynamic stability) indicates that this missense variant is not expected to disrupt RYR2 protein function with a negative predictive value of 95%. In summary, the available evidence is currently insufficient to determine the role of this variant in disease. Therefore, it has been classified as a Variant of Uncertain Significance.

Blueprint Genetics
Classification: Uncertain significance. Last evaluated: 2021-04-19. Review status: criteria provided, single submitter. Criteria: ACMG Guidelines, 2015. Collection method: clinical testing. Allele origin: germline.

NM_001035.3(RYR2):c.12232C>A (p.Leu4078Ile)

Gene: RYR2 (ryanodine receptor 2; plus strand). Cytogenetic location: 1q43.
Variant type: single nucleotide variant.
Coding change: c.12232C>A on transcript NM_001035.3 (MANE Select); coding-DNA position 12232, C replaced by A.
Protein change: p.Leu4078Ile; replaces leucine 4078 with isoleucine.
Molecular consequence: missense variant.
Genome position (GRCh38, 1-based): chr1:237,783,944, C>A. VCF-style: chr1-237783944-C-A. GRCh37 (hg19) VCF-style: chr1-237947244-C-A.
Other names: short protein forms L4078I.
Identifiers: ClinVar variation 4810596 (VCV004810596.2).
Genomic context (GRCh38, chr1:237,783,944, plus strand): 5'-TACACGCAGTCAGAAACGGAATTTCTTTTGTCTTGTGCGGAGACGGATGAGAATGAAACC[C>A]TCGACTACGAAGAGTTCGTCAAACGCTTCCACGAACCTGCGAAGGACATCGGCTTCAACG-3'
Protein context (NP_001026.2, residues 4068-4088): SCAETDENET[Leu4078Ile]DYEEFVKRFH